The following is an entry in ClinVar:

NM_002465.4(MYBPC1):c.2908A>G (p.Ile970Val)

Gene: MYBPC1 (myosin binding protein C1; plus strand). Cytogenetic location: 12q23.2.
Variant type: single nucleotide variant.
Coding change: c.2908A>G on transcript NM_002465.4 (MANE Select); coding-DNA position 2908, A replaced by G.
Protein change: p.Ile970Val; replaces isoleucine 970 with valine.
Molecular consequence: missense variant.
Genome position (GRCh38, 1-based): chr12:101,675,390, A>G. VCF-style: chr12-101675390-A-G. GRCh37 (hg19) VCF-style: chr12-102069168-A-G.
Other names: c.2776A>G, p.Ile926Val (NM_001404676.1, NM_001404678.1, NM_001254721.3); c.2698A>G, p.Ile900Val (NM_001404677.1, NM_001404679.1, NM_001404681.1); c.2755A>G, p.Ile919Val (NM_001404680.1, NM_001254722.3); c.2908A>G, p.Ile970Val (NM_206819.4, NM_001404675.1); c.2887A>G, p.Ile963Val (NM_206820.4, NM_001254718.3); c.2833A>G, p.Ile945Val (NM_206821.4, NM_001254719.3); c.2797A>G, p.Ile933Val (NM_001254720.3); c.2794A>G, p.Ile932Val (NM_001254723.3); and 1 more; short protein forms I900V, I919V, I926V, I932V, I933V, I945V, I963V, I970V.
Identifiers: ClinVar variation 3026100 (VCV003026100.23), dbSNP rs749155247, ClinGen allele CA6745259.
Genomic context (GRCh38, chr12:101,675,390, plus strand): 5'-GTCTGGGGAGAAAATGTCGCTCTCACATGGACTCCACCAAAGGATGATGGAAATGCTGCT[A>G]TCACAGGCTATACCATTCAGAAGGCTGACAAGAAGAGCATGGTAAGGTCTGGCTTTCTCT-3'
Protein context (NP_002456.2, residues 960-980): TPPKDDGNAA[Ile970Val]TGYTIQKADK

ClinVar aggregate classification (germline): Uncertain significance. Review status: criteria provided, multiple submitters, no conflicts (2 of 4 stars). 2 submissions from 2 submitters: Uncertain significance (2). Last evaluated 2024-09-03.

Conditions:
Inborn genetic diseases. Identifiers: MedGen C0950123, MeSH D030342.

Allele frequency attached by ClinVar (database versions not stated): ExAC 0.00001; gnomAD 0.00001; TOPMed 0.00001; gnomAD exomes 0.00003.
gnomAD v4.1: 52 of 1,614,098 alleles (0.0032%); highest among the groups gnomAD compares: Non-Finnish European, 0.0042%; no homozygotes.

Submissions (2):

Ambry Genetics
Classification: Uncertain significance for Inborn genetic diseases. Last evaluated: 2024-09-03. Review status: criteria provided, single submitter. Criteria: Ambry Variant Classification Scheme 2023. Collection method: clinical testing. Allele origin: germline.

CeGaT Center for Human Genetics Tuebingen
Classification: Uncertain significance. Last evaluated: 2024-01-01. Review status: criteria provided, single submitter. Criteria: CeGaT Center For Human Genetics Tuebingen Variant Classification Criteria Version 2. Collection method: clinical testing. Allele origin: germline. Affected: yes. Observed: 1 variant allele.
Comment: MYBPC1: PM2:Supporting